The following is an entry in ClinVar:

ClinVar aggregate classification (germline): Likely pathogenic (1 of 4 stars; one submission).

Conditions:
Wilson disease (WND). Also called: Wilson's disease. Identifiers: Orphanet 905, MedGen C0019202, MONDO:0010200, OMIM 277900. Disease mechanism: loss of function.

Submission:

Labcorp Genetics (formerly Invitae), Labcorp
Classification: Likely pathogenic for Wilson disease. Last evaluated: 2025-06-05. Review status: criteria provided, single submitter. Criteria: Invitae Variant Classification Sherloc (09022015). Collection method: clinical testing. Allele origin: germline.
Comment: This sequence change affects an acceptor splice site in intron 16 of the ATP7B gene. It is expected to disrupt RNA splicing. Variants that disrupt the donor or acceptor splice site typically lead to a loss of protein function (PMID: 16199547), and loss-of-function variants in ATP7B are known to be pathogenic (PMID: 10441329, 16283883). This variant is not present in population databases (gnomAD no frequency). This variant has not been reported in the literature in individuals affected with ATP7B-related conditions. ClinVar contains an entry for this variant (Variation ID: 2047920). Algorithms developed to predict the effect of sequence changes on RNA splicing suggest that this variant may disrupt the consensus splice site. In summary, the currently available evidence indicates that the variant is pathogenic, but additional data are needed to prove that conclusively. Therefore, this variant has been classified as Likely Pathogenic.

Literature cited by the submitters: PubMed 16199547; PubMed 10441329; PubMed 16283883.

NM_000053.4(ATP7B):c.3557-1G>A

Gene: ATP7B (ATPase copper transporting beta; minus strand). Cytogenetic location: 13q14.3.
Variant type: single nucleotide variant.
Coding change: c.3557-1G>A on transcript NM_000053.4 (MANE Select); the canonical splice acceptor site of the intron before coding-DNA position 3557, G replaced by A.
Molecular consequence: splice acceptor variant.
Genome position (GRCh38, 1-based): chr13:51,939,194, C>T on the plus strand (G>A on the coding strand, the complement: ATP7B is on the minus strand). VCF-style: chr13-51939194-C-T. GRCh37 (hg19) VCF-style: chr13-52513330-C-T.
Other names: c.3071-1G>A (NM_001406541.1, NM_001406542.1); c.3305-1G>A (NM_001406531.1, NM_001406532.1, NM_001330579.2); c.3323-1G>A (NM_001406527.1, NM_001406528.1, NM_001330578.2); c.3218-1G>A (NM_001406537.1); c.3413-1G>A (NM_001406521.1, NM_001406522.1, NM_001406520.1); c.3551-1G>A (NM_001406513.1); c.3557-1G>A (NM_001406511.1, NM_001406512.1, NM_001406526.1); c.3065-1G>A (NM_001406543.1); and 20 more.
Identifiers: ClinVar variation 2047920 (VCV002047920.4), dbSNP rs2138674428, ClinGen allele CA388024860.